The following is an entry in ClinVar:

NM_000264.5(PTCH1):c.2377G>C (p.Ala793Pro)

Genes: PTCH1 (patched 1; minus strand), LOC100507346 (uncharacterized LOC100507346; plus strand). Cytogenetic location: 9q22.32.
Variant type: single nucleotide variant.
Coding change: c.2377G>C on transcript NM_000264.5 (MANE Select); coding-DNA position 2377, G replaced by C.
Protein change: p.Ala793Pro; replaces alanine 793 with proline.
Molecular consequence: missense variant.
Genome position (GRCh38, 1-based): chr9:95,467,299, C>G on the plus strand (G>C on the coding strand, the complement: PTCH1 is on the minus strand). VCF-style: chr9-95467299-C-G. GRCh37 (hg19) VCF-style: chr9-98229581-C-G.
Other names: c.2179G>C, p.Ala727Pro (NM_001083602.3); c.2374G>C, p.Ala792Pro (NM_001083603.3); c.1924G>C, p.Ala642Pro (NM_001083604.3, NM_001083605.3, NM_001083606.3 and 1 more transcripts); c.2221G>C, p.Ala741Pro (NM_001354918.2); short protein forms A727P, A642P, A741P, A792P, A793P.
Identifiers: ClinVar variation 965967 (VCV000965967.10), dbSNP rs1554694390, ClinGen allele CA374114430.

ClinVar aggregate classification (germline): Uncertain significance (1 of 4 stars; one submission).

Conditions:
Gorlin syndrome. Also called: Nevoid Basal Cell Carcinoma Syndrome; Basal cell nevus syndrome. Identifiers: Orphanet 377, MedGen C0004779, MONDO:0007187.

Submission:

Labcorp Genetics (formerly Invitae), Labcorp
Classification: Uncertain significance for Gorlin syndrome. Last evaluated: 2019-11-14. Review status: criteria provided, single submitter. Criteria: Invitae Variant Classification Sherloc (09022015). Collection method: clinical testing. Allele origin: germline.
Comment: In summary, the available evidence is currently insufficient to determine the role of this variant in disease. Therefore, it has been classified as a Variant of Uncertain Significance. Algorithms developed to predict the effect of missense changes on protein structure and function are either unavailable or do not agree on the potential impact of this missense change (SIFT: "Tolerated"; PolyPhen-2: "Probably Damaging"; Align-GVGD: "Class C0"). This variant has not been reported in the literature in individuals with PTCH1-related conditions. This variant is not present in population databases (ExAC no frequency). This sequence change replaces alanine with proline at codon 793 of the PTCH1 protein (p.Ala793Pro). The alanine residue is moderately conserved and there is a small physicochemical difference between alanine and proline.